The following is an entry in ClinVar:

ClinVar aggregate classification (germline): Likely benign (1 of 4 stars; one submission).

Allele frequency attached by ClinVar (database versions not stated): ExAC 0.00002; gnomAD exomes 0.00002; TOPMed 0.00002.
gnomAD v4.1: 43 of 1,613,884 alleles (0.0027%); highest among the groups gnomAD compares: Admixed American, 0.005%; no homozygotes.

Submission:

CeGaT Center for Human Genetics Tuebingen
Classification: Likely benign. Last evaluated: 2023-01-01. Review status: criteria provided, single submitter. Criteria: CeGaT Center For Human Genetics Tuebingen Variant Classification Criteria Version 2. Collection method: clinical testing. Allele origin: germline. Affected: yes. Observed: 1 variant allele.
Comment: CACNB1: BP4, BP7

NM_000723.5(CACNB1):c.628+426C>T

Gene: CACNB1 (calcium voltage-gated channel auxiliary subunit beta 1; minus strand). Cytogenetic location: 17q12.
Variant type: single nucleotide variant.
Coding change: c.628+426C>T on transcript NM_000723.5 (MANE Select); 426 bases into the intron after coding-DNA position 628, C replaced by T.
Molecular consequence: intron variant. On other transcripts: synonymous variant (1).
Genome position (GRCh38, 1-based): chr17:39,186,070, G>A on the plus strand (C>T on the coding strand, the complement: CACNB1 is on the minus strand). VCF-style: chr17-39186070-G-A. GRCh37 (hg19) VCF-style: chr17-37342323-G-A.
Other names: c.663C>T, p.Asp221= (NM_199247.3); c.628+426C>T (NM_199248.3).
Identifiers: ClinVar variation 2647710 (VCV002647710.24), dbSNP rs766406540, ClinGen allele CA8528511.